The following is an entry in ClinVar:

ClinVar aggregate classification (germline): Uncertain significance. Review status: criteria provided, multiple submitters, no conflicts (2 of 4 stars). 2 submissions from 2 submitters: Uncertain significance (2). Last evaluated 2025-09-25.

Conditions:
Inborn genetic diseases. Identifiers: MedGen C0950123, MeSH D030342.

Allele frequency attached by ClinVar (database versions not stated): ExAC 0.00002; gnomAD 0.00006 and 0.00007; TOPMed 0.00004; ESP Exome Variant Server 0.00015; gnomAD exomes 0.00002.
gnomAD v4.1: 48 of 1,613,912 alleles (0.003%); highest among the groups gnomAD compares: African/African-American, 0.017%; no homozygotes.

Submissions (2):

Ambry Genetics
Classification: Uncertain significance for Inborn genetic diseases. Last evaluated: 2025-09-25. Review status: criteria provided, single submitter. Criteria: Ambry Variant Classification Scheme 2023. Collection method: clinical testing. Allele origin: germline.

GeneDx
Classification: Uncertain significance. Last evaluated: 2019-10-18. Review status: criteria provided, single submitter. Criteria: GeneDx Variant Classification Process June 2021. Collection method: clinical testing. Allele origin: germline. Affected: yes.
Comment: In silico analysis, which includes protein predictors and evolutionary conservation, supports a deleterious effect; Has not been previously published as pathogenic or benign to our knowledge

NM_017755.6(NSUN2):c.292T>C (p.Tyr98His)

Gene: NSUN2 (NOP2/Sun RNA methyltransferase 2; minus strand). Cytogenetic location: 5p15.31.
Variant type: single nucleotide variant.
Coding change: c.292T>C on transcript NM_017755.6 (MANE Select); coding-DNA position 292, T replaced by C.
Protein change: p.Tyr98His; replaces tyrosine 98 with histidine.
Molecular consequence: missense variant. On other transcripts: non-coding transcript variant (1), intron variant (1).
Genome position (GRCh38, 1-based): chr5:6,631,940, A>G on the plus strand (T>C on the coding strand, the complement: NSUN2 is on the minus strand). VCF-style: chr5-6631940-A-G. GRCh37 (hg19) VCF-style: chr5-6632053-A-G.
Other names: c.254+659T>C (NM_001193455.2); short protein forms Y98H.
Identifiers: ClinVar variation 1213288 (VCV001213288.4), dbSNP rs200924399, ClinGen allele CA3192855.